The following is an entry in ClinVar:

NM_001851.6(COL9A1):c.2015C>T (p.Pro672Leu)

Gene: COL9A1 (collagen type IX alpha 1 chain; minus strand). Cytogenetic location: 6q13.
Variant type: single nucleotide variant.
Coding change: c.2015C>T on transcript NM_001851.6 (MANE Select); coding-DNA position 2015, C replaced by T.
Protein change: p.Pro672Leu; replaces proline 672 with leucine.
Molecular consequence: missense variant. On other transcripts: non-coding transcript variant (1).
Genome position (GRCh38, 1-based): chr6:70,241,438, G>A on the plus strand (C>T on the coding strand, the complement: COL9A1 is on the minus strand). VCF-style: chr6-70241438-G-A. GRCh37 (hg19) VCF-style: chr6-70951141-G-A.
Other names: c.1316C>T, p.Pro439Leu (NM_001377289.1); c.1286C>T, p.Pro429Leu (NM_001377290.1, NM_078485.4); short protein forms P429L, P439L, P672L.
Identifiers: ClinVar variation 1354492 (VCV001354492.4), dbSNP rs765463295, ClinGen allele CA3881915.
Genomic context (GRCh38, chr6:70,241,438, plus strand): 5'-TCAAACATTGCATTTTATACCAATTAAATAATAAGACTGACCTGTTCACCCTTTGGACCC[G>A]GTTCACCGACTACACCCTGTAATAAATAAAATATAATACTTTTTCAGTATTTTCAACTGT-3'
Protein context (NP_001842.3, residues 662-682): MKGDRGVVGE[Pro672Leu]GPKGEQGASG

ClinVar aggregate classification (germline): Uncertain significance (1 of 4 stars; one submission).

Allele frequency attached by ClinVar (database versions not stated): ExAC 0.00001; gnomAD 0.00001; gnomAD exomes 0.00001.
gnomAD v4.1: 14 of 1,610,668 alleles (0.00087%); highest among the groups gnomAD compares: Admixed American, 0.0033%; no homozygotes.

Submission:

Labcorp Genetics (formerly Invitae), Labcorp
Classification: Uncertain significance. Last evaluated: 2023-12-07. Review status: criteria provided, single submitter. Criteria: Invitae Variant Classification Sherloc (09022015). Collection method: clinical testing. Allele origin: germline.
Comment: This sequence change replaces proline, which is neutral and non-polar, with leucine, which is neutral and non-polar, at codon 672 of the COL9A1 protein (p.Pro672Leu). This variant is present in population databases (rs765463295, gnomAD 0.007%). This variant has not been reported in the literature in individuals affected with COL9A1-related conditions. ClinVar contains an entry for this variant (Variation ID: 1354492). Advanced modeling of protein sequence and biophysical properties (such as structural, functional, and spatial information, amino acid conservation, physicochemical variation, residue mobility, and thermodynamic stability) performed at Invitae indicates that this missense variant is not expected to disrupt COL9A1 protein function with a negative predictive value of 95%. In summary, the available evidence is currently insufficient to determine the role of this variant in disease. Therefore, it has been classified as a Variant of Uncertain Significance.